The following is an entry in ClinVar:

NM_001429.4(EP300):c.2020A>G (p.Asn674Asp)

Gene: EP300 (EP300 lysine acetyltransferase; plus strand). Cytogenetic location: 22q13.2.
Variant type: single nucleotide variant.
Coding change: c.2020A>G on transcript NM_001429.4 (MANE Select); coding-DNA position 2020, A replaced by G.
Protein change: p.Asn674Asp; replaces asparagine 674 with aspartic acid.
Molecular consequence: missense variant.
Genome position (GRCh38, 1-based): chr22:41,141,189, A>G. VCF-style: chr22-41141189-A-G. GRCh37 (hg19) VCF-style: chr22-41537193-A-G.
Other names: c.2020A>G, p.Asn674Asp (NM_001362843.2); short protein forms N674D.
Identifiers: ClinVar variation 2634810 (VCV002634810.2), dbSNP rs772528449, ClinGen allele CA10252690.

ClinVar aggregate classification (germline): Uncertain significance. Review status: criteria provided, multiple submitters, no conflicts (2 of 4 stars). 2 submissions from 2 submitters: Uncertain significance (2). Last evaluated 2025-08-01.

Conditions:
EP300-related disorder. Also called: EP300-related condition; EP300-related disorders.
Rubinstein-Taybi syndrome due to EP300 haploinsufficiency. Also called: EP300-Related Rubinstein-Taybi Syndrome; RUBINSTEIN-TAYBI SYNDROME 2. Identifiers: Orphanet 353284, Orphanet 783, MedGen C3150941, MONDO:0013364, OMIM 613684.

Allele frequency attached by ClinVar (database versions not stated): gnomAD exomes below 0.00001; ExAC 0.00001; TOPMed 0.00001.
gnomAD v4.1: 6 of 1,614,234 alleles (0.00037%); highest among the groups gnomAD compares: Non-Finnish European, 0.00042%; no homozygotes.

Submissions (2):

Labcorp Genetics (formerly Invitae), Labcorp
Classification: Uncertain significance for Rubinstein-Taybi syndrome due to EP300 haploinsufficiency. Last evaluated: 2025-08-01. Review status: criteria provided, single submitter. Criteria: Invitae Variant Classification Sherloc (09022015). Collection method: clinical testing. Allele origin: germline.
Comment: This sequence change replaces asparagine, which is neutral and polar, with aspartic acid, which is acidic and polar, at codon 674 of the EP300 protein (p.Asn674Asp). This variant is present in population databases (rs772528449, gnomAD 0.0009%). This variant has not been reported in the literature in individuals affected with EP300-related conditions. ClinVar contains an entry for this variant (Variation ID: 2634810). Invitae Evidence Modeling of protein sequence and biophysical properties (such as structural, functional, and spatial information, amino acid conservation, physicochemical variation, residue mobility, and thermodynamic stability) indicates that this missense variant is not expected to disrupt EP300 protein function with a negative predictive value of 80%. In summary, the available evidence is currently insufficient to determine the role of this variant in disease. Therefore, it has been classified as a Variant of Uncertain Significance.

PreventionGenetics, part of Exact Sciences
Classification: Uncertain significance for EP300-related condition. Last evaluated: 2022-10-14. Review status: criteria provided, single submitter. Criteria: ACMG Guidelines, 2015. Collection method: clinical testing. Allele origin: germline.
Comment: The EP300 c.2020A>G variant is predicted to result in the amino acid substitution p.Asn674Asp. To our knowledge, this variant has not been reported in the literature. This variant is reported in 0.00088% of alleles in individuals of European (Non-Finnish) descent in gnomAD. At this time, the clinical significance of this variant is uncertain due to the absence of conclusive functional and genetic evidence.